The following is an entry in ClinVar:

ClinVar aggregate classification (germline): Uncertain significance (1 of 4 stars; one submission).

Conditions:
Neurofibromatosis, type 1 (NF1). Also called: VON RECKLINGHAUSEN DISEASE; NEUROFIBROMATOSIS, TYPE I, SOMATIC; Peripheral type neurofibromatosis; Neurofibromatosis, type I. Identifiers: Orphanet 636, MedGen C0027831, MONDO:0018975, OMIM 162200. Disease mechanism: loss of function.

Submissions (2):

Labcorp Genetics (formerly Invitae), Labcorp
Classification: Uncertain significance for Neurofibromatosis, type 1. Last evaluated: 2020-02-13. Review status: criteria provided, single submitter. Criteria: Invitae Variant Classification Sherloc (09022015). Collection method: clinical testing. Allele origin: germline.
Comment: In summary, the available evidence is currently insufficient to determine the role of this variant in disease. Therefore, it has been classified as a Variant of Uncertain Significance. Algorithms developed to predict the effect of sequence changes on RNA splicing suggest that this variant may create or strengthen a splice site, but this prediction has not been confirmed by published transcriptional studies. Algorithms developed to predict the effect of missense changes on protein structure and function are either unavailable or do not agree on the potential impact of this missense change (SIFT: "Tolerated"; PolyPhen-2: "Probably Damaging"; Align-GVGD: "Class C0"). This variant has not been reported in the literature in individuals with NF1-related conditions. This variant is not present in population databases (ExAC no frequency). This sequence change replaces lysine with arginine at codon 1915 of the NF1 protein (p.Lys1915Arg). The lysine residue is moderately conserved and there is a small physicochemical difference between lysine and arginine.

Dr. Peter K. Rogan Lab, Western University
No classification provided (evidence only). Condition: Clear cell carcinoma of kidney. Review status: no classification provided. Collection method: in vitro. Allele origin: not applicable. Functional consequence: retained intron. Not counted in ClinVar's aggregate classification.

NM_001042492.3(NF1):c.5807A>G (p.Lys1936Arg)

Gene: NF1 (neurofibromin 1; plus strand). Cytogenetic location: 17q11.2.
Variant type: single nucleotide variant.
Coding change: c.5807A>G on transcript NM_001042492.3 (MANE Select); coding-DNA position 5807, A replaced by G.
Protein change: p.Lys1936Arg; replaces lysine 1936 with arginine.
Molecular consequence: missense variant.
Genome position (GRCh38, 1-based): chr17:31,330,493, A>G. VCF-style: chr17-31330493-A-G. GRCh37 (hg19) VCF-style: chr17-29657511-A-G.
Other names: c.5744A>G, p.Lys1915Arg (NM_000267.4); short protein forms K1936R, K1915R.
Identifiers: ClinVar variation 1044469 (VCV001044469.6), dbSNP rs2069454728, ClinGen allele CA399010523.